The following is an entry in ClinVar:

NM_004380.3(CREBBP):c.383C>G (p.Ser128Cys)

Gene: CREBBP (CREB binding lysine acetyltransferase; minus strand). Cytogenetic location: 16p13.3.
Variant type: single nucleotide variant.
Coding change: c.383C>G on transcript NM_004380.3 (MANE Select); coding-DNA position 383, C replaced by G.
Protein change: p.Ser128Cys; replaces serine 128 with cysteine.
Molecular consequence: missense variant.
Genome position (GRCh38, 1-based): chr16:3,850,712, G>C on the plus strand (C>G on the coding strand, the complement: CREBBP is on the minus strand). VCF-style: chr16-3850712-G-C. GRCh37 (hg19) VCF-style: chr16-3900713-G-C.
Other names: c.383C>G, p.Ser128Cys (NM_001079846.1); short protein forms S128C.
Identifiers: ClinVar variation 133930 (VCV000133930.46), dbSNP rs55790011, ClinGen allele CA158180.
Genomic context (GRCh38, chr16:3,850,712, plus strand): 5'-GAGGCAGCGGGGGTGGGCCCAGAGGTGCTGGCTGCCTGTTTAGGCAGGCTGGGGGCTGAA[G>C]AATCTCCCTGGCTCAGAGGGCTCTTGCCCATGGCACTGAGGCTGGCCATGTTAGCACTGT-3'
Protein context (NP_004371.2, residues 118-138): MGKSPLSQGD[Ser128Cys]SAPSLPKQAA

ClinVar aggregate classification (germline): Benign/Likely benign. Review status: criteria provided, multiple submitters, no conflicts (2 of 4 stars). 11 submissions from 11 submitters: Benign (2); Likely benign (5). 4 of the submissions do not count toward it. Last evaluated 2026-09-01.

Conditions:
Rubinstein-Taybi syndrome (RSTS). Identifiers: Orphanet 783, MedGen C0035934, MONDO:0019188.
CREBBP-related disorder. Also called: CREBBP-related disorders; CREBBP-related condition.
Inborn genetic diseases. Identifiers: MedGen C0950123, MeSH D030342.

Allele frequency attached by ClinVar (database versions not stated): 1000 Genomes Project 30x 0.00078; 1000 Genomes Project 0.00080; ESP Exome Variant Server 0.00115; gnomAD 0.00069 and 0.00070; TOPMed 0.00071; ExAC 0.00072; gnomAD exomes 0.00074.
gnomAD v4.1: 1,912 of 1,614,132 alleles (0.12%); highest among the groups gnomAD compares: Non-Finnish European, 0.15%; 2 homozygotes.

Submissions (11):

CeGaT Center for Human Genetics Tuebingen
Classification: Likely benign. Last evaluated: 2026-09-01. Review status: criteria provided, single submitter. Criteria: CeGaT Center For Human Genetics Tuebingen Variant Classification Criteria Version 2. Collection method: clinical testing. Allele origin: germline. Affected: yes. Observed: 19 variant alleles.
Comment: CREBBP: PP2, BS1

Ambry Genetics
Classification: Likely benign for Inborn genetic diseases. Last evaluated: 2026-04-24. Review status: criteria provided, single submitter. Criteria: Ambry Variant Classification Scheme 2023. Collection method: clinical testing. Allele origin: germline.

Labcorp Genetics (formerly Invitae), Labcorp
Classification: Benign for Rubinstein-Taybi syndrome. Last evaluated: 2025-12-17. Review status: criteria provided, single submitter. Criteria: Invitae Variant Classification Sherloc (09022015). Collection method: clinical testing. Allele origin: germline.

Blueprint Genetics
Classification: Likely benign. Last evaluated: 2024-11-13. Review status: criteria provided, single submitter. Criteria: ACMG Guidelines, 2015. Collection method: clinical testing. Allele origin: germline.

GeneDx
Classification: Benign. Last evaluated: 2019-12-20. Review status: criteria provided, single submitter. Criteria: GeneDx Variant Classification Process June 2021. Collection method: clinical testing. Allele origin: germline. Affected: yes.
Comment: This variant is associated with the following publications: (PMID: 28767323)

Center for Pediatric Genomic Medicine, Children's Mercy Hospital and Clinics
Classification: Likely benign. Last evaluated: 2017-03-03. Review status: criteria provided, single submitter. Criteria: ACMG Guidelines, 2015. Collection method: clinical testing. Allele origin: germline.

Genetic Services Laboratory, University of Chicago
Classification: Likely benign. Last evaluated: 2013-02-08. Review status: criteria provided, single submitter. Criteria: ACMG Guidelines, 2007. Collection method: clinical testing. Allele origin: germline. Inheritance: Autosomal dominant inheritance.

PreventionGenetics, part of Exact Sciences
Classification: Likely benign for CREBBP-related condition. Last evaluated: 2023-01-04. Review status: no assertion criteria provided. Collection method: clinical testing. Allele origin: germline. Not counted in ClinVar's aggregate classification.
Comment: This variant is classified as likely benign based on ACMG/AMP sequence variant interpretation guidelines (Richards et al. 2015 PMID: 25741868, with internal and published modifications).

ITMI
No classification provided. Condition: AllHighlyPenetrant. Last evaluated: 2013-09-19. Review status: no classification provided. Collection method: reference population. Allele origin: germline. Not counted in ClinVar's aggregate classification.
Comment: Please see associated publication for description of ethnicities

Clinical Genetics DNA and cytogenetics Diagnostics Lab, Erasmus MC, Erasmus Medical Center
Classification: Likely benign. Review status: no assertion criteria provided. Collection method: clinical testing. Allele origin: germline. Affected: yes. Study: VKGL Data-share Consensus. Not counted in ClinVar's aggregate classification.

Diagnostic Laboratory, Department of Genetics, University Medical Center Groningen
Classification: Likely benign. Review status: no assertion criteria provided. Collection method: clinical testing. Allele origin: germline. Affected: yes. Study: VKGL Data-share Consensus. Not counted in ClinVar's aggregate classification.

Literature cited by the submitters: PubMed 24728327 (cited by ITMI).